The following is an entry in ClinVar:

ClinVar aggregate classification (germline): Uncertain significance (1 of 4 stars; one submission).

Conditions:
Holoprosencephaly 3 (HPE3). Identifiers: Orphanet 2162, MedGen C1840529, MONDO:0007733, OMIM 142945.

Allele frequency attached by ClinVar (database versions not stated): gnomAD 0.00007; TOPMed 0.00009.
gnomAD v4.1: 12 of 152,170 alleles (0.0079%); highest among the groups gnomAD compares: African/African-American, 0.019%; no homozygotes.

Submission:

Labcorp Genetics (formerly Invitae), Labcorp
Classification: Uncertain significance for Holoprosencephaly 3. Last evaluated: 2022-11-26. Review status: criteria provided, single submitter. Criteria: Invitae Variant Classification Sherloc (09022015). Collection method: clinical testing. Allele origin: germline.
Comment: Experimental studies and prediction algorithms are not available or were not evaluated, and the effect of this variant on mRNA splicing is currently unknown. This variant occurs in a non-coding region of the SHH gene. It does not change the encoded amino acid sequence of the SHH protein. This variant is present in population databases (no rsID available, gnomAD 0.03%). This variant has not been reported in the literature in individuals affected with SHH-related conditions. In summary, the available evidence is currently insufficient to determine the role of this variant in disease. Therefore, it has been classified as a Variant of Uncertain Significance.

NC_000007.14:g.156769404G>A

Genes: LMBR1 (limb development membrane protein 1; minus strand), SHH (sonic hedgehog signaling molecule; minus strand). Cytogenetic location: 7q36.3.
Variant type: single nucleotide variant.
Molecular consequence: intron variant (on NM_022458.4).
Genome position: GRCh38 VCF-style: chr7-156769404-G-A. GRCh37 (hg19) VCF-style: chr7-156562098-G-A.
Other names: c.361-5609C>T (NM_001363412.2); c.145-5609C>T (NM_001350954.2); c.424-5609C>T (NM_001363410.2, NM_022458.4, NM_001363409.2 and 1 more transcripts); c.-33-5609C>T (NM_001350958.2, NM_001350956.2, NM_001350955.2 and 1 more transcripts); c.55-5609C>T (NM_001350957.2, NM_001363411.2).
Identifiers: ClinVar variation 2868395 (VCV002868395.3), dbSNP rs910914390, ClinGen allele CA169820968.